The following is an entry in ClinVar:

NM_001204077.2(UBE4A):c.1217_1218del (p.Cys406fs)

Gene: UBE4A (ubiquitination factor E4A; plus strand). Cytogenetic location: 11q23.3.
Variant type: Deletion.
Coding change: c.1217_1218del on transcript NM_001204077.2 (MANE Select); coding-DNA positions 1217 to 1218, 2 bases deleted (GT; older notation c.1217_1218delGT).
Protein change: p.Cys406fs; shifts the reading frame from cysteine 406.
Molecular consequence: frameshift variant.
Genome position (GRCh38, 1-based): chr11:118,374,996-118,374,997, GT deleted; deleting any 2 consecutive bases within chr11:118,374,995-118,374,997 gives the same sequence; the c. name uses the placement nearest the transcript's 3' end. VCF-style (leftmost placement, unchanged base first): chr11-118374994-CTG-C. GRCh37 (hg19) VCF-style: chr11-118245709-CTG-C.
Other names: c.1238_1239del, p.Cys413fs (NM_004788.4); short protein forms C406fs, C413fs.
Identifiers: ClinVar variation 977280 (VCV000977280.2), dbSNP rs1948638548, ClinGen allele CA1139662357.

ClinVar aggregate classification (germline): Conflicting classifications of pathogenicity. Review status: no assertion criteria provided (0 of 4 stars). 2 submissions from 2 submitters: Pathogenic (1); Uncertain significance (1). Last evaluated 2021-12-01.

Conditions:
Neurodevelopmental disorder with hypotonia and gross motor and speech delay. Identifiers: MedGen C5562031, MONDO:0859207, OMIM 619639.

Submissions (2):

OMIM
Classification: Pathogenic for NEURODEVELOPMENTAL DISORDER WITH HYPOTONIA AND GROSS MOTOR AND SPEECH DELAY. Last evaluated: 2021-12-01. Review status: no assertion criteria provided. Collection method: literature only. Allele origin: germline.

Clinical Genomics Laboratory, Stanford Medicine
Classification: Uncertain significance. Last evaluated: 2018-12-07. Review status: no assertion criteria provided. Collection method: clinical testing. Allele origin: germline. Affected: yes.
Comment: The p.Cys413Phefs*55 variant in the UBE4A gene has not been previously reported in association with disease. Homozygosity of the variant segregates with disease in the patientâ€™s family. The variant was absent from large population databases, including the Genome Aggregation Database. The p.Cys413Phefs*55 variant results in 2bp deletion, which causes a shift in the protein reading frame, leading to a premature termination codon 55 amino acids downstream. Loss of function is the proposed mechanism of disease for the UBE4A related disorder. These data were assessed using the ACMG/AMP variation interpretation guidelines. In summary, the significance of the p.Cys413Phefs*55 variant is uncertain,in part due to the preliminary disease association. Additional information is needed to resolve the significance of this variant.[ACMG evidence codes used: PVS1_moderate, PM2, PP1]

Literature cited by the submitters: PubMed 33420346 (cited by OMIM).